The following is an entry in ClinVar:

NM_005751.5(AKAP9):c.461C>T (p.Pro154Leu)

Gene: AKAP9 (A-kinase anchoring protein 9; plus strand). Cytogenetic location: 7q21.2.
Variant type: single nucleotide variant.
Coding change: c.461C>T on transcript NM_005751.5 (MANE Select); coding-DNA position 461, C replaced by T.
Protein change: p.Pro154Leu; replaces proline 154 with leucine.
Molecular consequence: missense variant.
Genome position (GRCh38, 1-based): chr7:91,992,940, C>T. VCF-style: chr7-91992940-C-T. GRCh37 (hg19) VCF-style: chr7-91622254-C-T.
Other names: c.461C>T, p.Pro154Leu (NM_147185.3); short protein forms P154L.
Identifiers: ClinVar variation 1493135 (VCV001493135.11), dbSNP rs768097461, ClinGen allele CA4335822.

ClinVar aggregate classification (germline): Conflicting classifications of pathogenicity. Review status: criteria provided, conflicting classifications (1 of 4 stars). 4 submissions from 4 submitters: Uncertain significance (2); Likely benign (2). Last evaluated 2025-10-08.

Conditions:
Cardiovascular phenotype. Identifiers: MedGen CN230736.
Long QT syndrome (LQTS). Identifiers: MedGen C0023976, MeSH D008133, MONDO:0002442. Disease mechanism: loss of function. Inheritance: Various modes of inheritance.

Allele frequency attached by ClinVar (database versions not stated): gnomAD exomes 0.00003 and 0.00006; ExAC 0.00005; gnomAD 0.00009 and 0.00010; TOPMed 0.00014.
gnomAD v4.1: 61 of 1,613,760 alleles (0.0038%); highest among the groups gnomAD compares: Admixed American, 0.05%; no homozygotes.

Submissions (4):

Labcorp Genetics (formerly Invitae), Labcorp
Classification: Uncertain significance for Long QT syndrome. Last evaluated: 2025-10-08. Review status: criteria provided, single submitter. Criteria: Invitae Variant Classification Sherloc (09022015). Collection method: clinical testing. Allele origin: germline.
Comment: This sequence change replaces proline, which is neutral and non-polar, with leucine, which is neutral and non-polar, at codon 154 of the AKAP9 protein (p.Pro154Leu). This variant is present in population databases (rs768097461, gnomAD 0.03%). This variant has not been reported in the literature in individuals affected with AKAP9-related conditions. ClinVar contains an entry for this variant (Variation ID: 1493135). An algorithm developed to predict the effect of missense changes on protein structure and function (PolyPhen-2) suggests that this variant is likely to be tolerated. In summary, the available evidence is currently insufficient to determine the role of this variant in disease. Therefore, it has been classified as a Variant of Uncertain Significance.

Ambry Genetics
Classification: Likely benign for Cardiovascular phenotype. Last evaluated: 2024-09-26. Review status: criteria provided, single submitter. Criteria: Ambry Variant Classification Scheme 2023. Collection method: clinical testing. Allele origin: germline.

Blueprint Genetics
Classification: Likely benign. Last evaluated: 2024-04-30. Review status: criteria provided, single submitter. Criteria: ACMG Guidelines, 2015. Collection method: clinical testing. Allele origin: germline.

Breakthrough Genomics
Classification: Uncertain significance. Review status: criteria provided, single submitter. Criteria: ACMG Guidelines, 2015. Collection method: not provided. Allele origin: germline. Inheritance: Autosomal recessive inheritance. Affected: yes.